The following is an entry in ClinVar:

NM_005120.3(MED12):c.778G>C (p.Glu260Gln)

Gene: MED12 (mediator complex subunit 12; plus strand). Cytogenetic location: Xq13.1.
Variant type: single nucleotide variant.
Coding change: c.778G>C on transcript NM_005120.3 (MANE Select); coding-DNA position 778, G replaced by C.
Protein change: p.Glu260Gln; replaces glutamic acid 260 with glutamine.
Molecular consequence: missense variant.
Genome position (GRCh38, 1-based): chrX:71,121,369, G>C. VCF-style: chrX-71121369-G-C. GRCh37 (hg19) VCF-style: chrX-70341219-G-C.
Other names: short protein forms E260Q.
Identifiers: ClinVar variation 4975766 (VCV004975766.1).

ClinVar aggregate classification (germline): Uncertain significance (1 of 4 stars; one submission).

Submission:

GeneDx
Classification: Uncertain significance. Last evaluated: 2026-01-27. Review status: criteria provided, single submitter. Criteria: GeneDx Variant Classification Process June 2021. Collection method: clinical testing. Allele origin: germline.
Comment: Not observed at significant frequency in large population cohorts (gnomAD); In silico analysis suggests that this missense variant does not alter protein structure/function; Has not been previously published as pathogenic or benign to our knowledge